The following is an entry in ClinVar:

NM_000038.6(APC):c.646-2123G>T

Gene: APC (APC regulator of WNT signaling pathway; plus strand). Cytogenetic location: 5q22.2.
Variant type: single nucleotide variant.
Coding change: c.646-2123G>T on transcript NM_000038.6 (MANE Select); 2123 bases into the intron before coding-DNA position 646, G replaced by T.
Molecular consequence: intron variant.
Genome position (GRCh38, 1-based): chr5:112,790,323, G>T. VCF-style: chr5-112790323-G-T. GRCh37 (hg19) VCF-style: chr5-112126020-G-T.
Other names: c.646-2123G>T (NM_001354895.2, NM_001127510.3, NM_001354896.2 and 1 more transcripts); c.676-2123G>T (NM_001354897.2, NM_001354902.2); c.675+9420G>T (NM_001127511.3); c.571-2123G>T (NM_001354898.2, NM_001354904.2); c.-390-2123G>T (NM_001354906.2); c.645+9420G>T (NM_001354899.2); c.469-2123G>T (NM_001354900.2, NM_001354901.2, NM_001354905.2).
Identifiers: ClinVar variation 82991 (VCV000082991.2), dbSNP rs79234008, ClinGen allele CA011727.

ClinVar aggregate classification (germline): other (0 of 4 stars; one submission).

Conditions:
Familial colorectal cancer. Identifiers: MedGen CN280943, MONDO:0023113. Disease mechanism: loss of function.

Submission:

Systems Biology Platform Zhejiang California International NanoSystems Institute
Classification: other for Familial colorectal cancer. Review status: no assertion criteria provided. Collection method: not provided. Allele origin: unknown.
ClinVar note: Converted during submission from cancer to other.